The following is an entry in ClinVar:

NM_000186.4(CFH):c.2416G>T (p.Ala806Ser)

Gene: CFH (complement factor H; plus strand). Cytogenetic location: 1q31.3.
Variant type: single nucleotide variant.
Coding change: c.2416G>T on transcript NM_000186.4 (MANE Select); coding-DNA position 2416, G replaced by T.
Protein change: p.Ala806Ser; replaces alanine 806 with serine.
Molecular consequence: missense variant.
Genome position (GRCh38, 1-based): chr1:196,736,826, G>T. VCF-style: chr1-196736826-G-T. GRCh37 (hg19) VCF-style: chr1-196705956-G-T.
Other names: short protein forms A806S.
Identifiers: ClinVar variation 1397127 (VCV001397127.11), dbSNP rs753331225, ClinGen allele CA1305661.

ClinVar aggregate classification (germline): Uncertain significance. Review status: criteria provided, multiple submitters, no conflicts (2 of 4 stars). 7 submissions from 4 submitters: Uncertain significance (7). Last evaluated 2025-10-20.

Conditions:
Hemolytic uremic syndrome, atypical, susceptibility to, 1. Also called: AHUS, SUSCEPTIBILITY TO, 1. Identifiers: Orphanet 2134, Orphanet 90038, MedGen C2749604, MONDO:0009335, OMIM 235400. Disease mechanism: Other.
Factor H deficiency (CFHD). Also called: COMPLEMENT FACTOR H DEFICIENCY; CFH DEFICIENCY. Identifiers: Orphanet 200421, MedGen C0398777, MONDO:0012350, OMIM 609814.
Basal laminar drusen. Also called: DRUSEN OF BRUCH MEMBRANE; DRUSEN, CUTICULAR; DRUSEN, EARLY ADULT-ONSET, GROUPED. Identifiers: Orphanet 75376, MedGen C0730295, MONDO:0007472, OMIM 126700.
Age related macular degeneration 4. Identifiers: MedGen C1853147, MONDO:0012540, OMIM 610698.

Allele frequency attached by ClinVar (database versions not stated): gnomAD exomes below 0.00001 and 0.00001; ExAC 0.00001; 1000 Genomes Project 30x 0.00031.

Submissions (7):

Labcorp Genetics (formerly Invitae), Labcorp
Classification: Uncertain significance. Last evaluated: 2025-10-20. Review status: criteria provided, single submitter. Criteria: Invitae Variant Classification Sherloc (09022015). Collection method: clinical testing. Allele origin: germline.
Comment: This sequence change replaces alanine, which is neutral and non-polar, with serine, which is neutral and polar, at codon 806 of the CFH protein (p.Ala806Ser). This variant is present in population databases (rs753331225, gnomAD 0.005%). This variant has not been reported in the literature in individuals affected with CFH-related conditions. ClinVar contains an entry for this variant (Variation ID: 1397127). An algorithm developed to predict the effect of missense changes on protein structure and function (PolyPhen-2) suggests that this variant is likely to be tolerated. In summary, the available evidence is currently insufficient to determine the role of this variant in disease. Therefore, it has been classified as a Variant of Uncertain Significance.

Genome-Nilou Lab
Classification: Uncertain significance for Hemolytic uremic syndrome, atypical, susceptibility to, 1. Last evaluated: 2023-04-11. Review status: criteria provided, single submitter. Criteria: ACMG Guidelines, 2015. Collection method: clinical testing. Allele origin: germline. Affected: no.

Genome-Nilou Lab
Classification: Uncertain significance for Age related macular degeneration 4. Last evaluated: 2023-04-11. Review status: criteria provided, single submitter. Criteria: ACMG Guidelines, 2015. Collection method: clinical testing. Allele origin: germline. Affected: no.

Genome-Nilou Lab
Classification: Uncertain significance for Basal laminar drusen. Last evaluated: 2023-04-11. Review status: criteria provided, single submitter. Criteria: ACMG Guidelines, 2015. Collection method: clinical testing. Allele origin: germline. Affected: no.

Genome-Nilou Lab
Classification: Uncertain significance for Factor H deficiency. Last evaluated: 2023-04-11. Review status: criteria provided, single submitter. Criteria: ACMG Guidelines, 2015. Collection method: clinical testing. Allele origin: germline. Affected: no.

Blueprint Genetics
Classification: Uncertain significance. Last evaluated: 2022-09-21. Review status: criteria provided, single submitter. Criteria: ACMG Guidelines, 2015. Collection method: clinical testing. Allele origin: germline.

Fulgent Genetics
Classification: Uncertain significance for Basal laminar drusen; Hemolytic uremic syndrome, atypical, susceptibility to, 1; Factor H deficiency; Age related macular degeneration 4. Last evaluated: 2021-11-27. Review status: criteria provided, single submitter. Criteria: ACMG Guidelines, 2015. Collection method: clinical testing. Allele origin: unknown.